The following is an entry in ClinVar:

ClinVar aggregate classification (germline): Uncertain significance (1 of 4 stars; one submission).

Conditions:
Baraitser-Winter syndrome 1 (BRWS1). Also called: PACHYGYRIA, MENTAL RETARDATION, EPILEPSY, AND CHARACTERISTIC FACIES; MENTAL RETARDATION WITH EPILEPSY AND CHARACTERISTIC FACIES; Cerebrofrontofacial syndrome; BARAITSER-WINTER SYNDROME 1, ATYPICAL. Identifiers: Orphanet 2649, Orphanet 2995, MedGen C1855722, MONDO:0009470, OMIM 243310.

Submission:

Labcorp Genetics (formerly Invitae), Labcorp
Classification: Uncertain significance for Baraitser-Winter syndrome 1. Last evaluated: 2022-09-10. Review status: criteria provided, single submitter. Criteria: Invitae Variant Classification Sherloc (09022015). Collection method: clinical testing. Allele origin: germline.
Comment: This variant is not present in population databases (gnomAD no frequency). This sequence change replaces glutamic acid, which is acidic and polar, with aspartic acid, which is acidic and polar, at codon 83 of the ACTB protein (p.Glu83Asp). This variant has not been reported in the literature in individuals affected with ACTB-related conditions. In summary, the available evidence is currently insufficient to determine the role of this variant in disease. Therefore, it has been classified as a Variant of Uncertain Significance. Algorithms developed to predict the effect of missense changes on protein structure and function (SIFT, PolyPhen-2, Align-GVGD) all suggest that this variant is likely to be disruptive.

NM_001101.5(ACTB):c.249G>C (p.Glu83Asp)

Gene: ACTB (actin beta; minus strand). Cytogenetic location: 7p22.1.
Variant type: single nucleotide variant.
Coding change: c.249G>C on transcript NM_001101.5 (MANE Select); coding-DNA position 249, G replaced by C.
Protein change: p.Glu83Asp; replaces glutamic acid 83 with aspartic acid.
Molecular consequence: missense variant.
Genome position (GRCh38, 1-based): chr7:5,529,275, C>G on the plus strand (G>C on the coding strand, the complement: ACTB is on the minus strand). VCF-style: chr7-5529275-C-G. GRCh37 (hg19) VCF-style: chr7-5568906-C-G.
Other names: short protein forms E83D.
Identifiers: ClinVar variation 2004354 (VCV002004354.4), dbSNP rs2533850271, ClinGen allele CA366704671.